The following is an entry in ClinVar:

NM_001323289.2(CDKL5):c.844_856delinsA (p.Pro282_Tyr286delinsAsn)

Gene: CDKL5 (cyclin dependent kinase like 5; plus strand). Cytogenetic location: Xp22.13.
Variant type: Indel.
Coding change: c.844_856delinsA on transcript NM_001323289.2 (MANE Select); coding-DNA positions 844 to 856, CCAGCTGACAGAT replaced by A.
Protein change: p.Pro282_Tyr286delinsAsn.
Molecular consequence: inframe indel.
Genome position (GRCh38, 1-based): chrX:18,598,480-18,598,492, CCAGCTGACAGAT replaced by A. VCF-style: chrX-18598480-CCAGCTGACAGAT-A. GRCh37 (hg19) VCF-style: chrX-18616600-CCAGCTGACAGAT-A.
Other names: c.844_856delinsA, p.Pro282_Tyr286delinsAsn (NM_001037343.2, NM_003159.3).
Identifiers: ClinVar variation 1452639 (VCV001452639.8), dbSNP rs2147156107, ClinGen allele CA2573158461.

ClinVar aggregate classification (germline): Pathogenic (1 of 4 stars; one submission).

Conditions:
Angelman syndrome-like. Identifiers: MedGen CN128785.
Developmental and epileptic encephalopathy, 2 (DEE2). Also called: INFANTILE SPASM SYNDROME, X-LINKED 2; CDKL5 deficiency disorder. Identifiers: Orphanet 1934, Orphanet 3451, Orphanet 505652, MedGen C4750718, MONDO:0010396, OMIM 300672.

Submission:

Labcorp Genetics (formerly Invitae), Labcorp
Classification: Pathogenic for Developmental and epileptic encephalopathy, 2; Angelman syndrome-like. Last evaluated: 2021-03-26. Review status: criteria provided, single submitter. Criteria: Invitae Variant Classification Sherloc (09022015). Collection method: clinical testing. Allele origin: germline.
Comment: For these reasons, this variant has been classified as Pathogenic. This variant disrupts the p.Arg285 amino acid residue in CDKL5. Other variant(s) that disrupt this residue have been determined to be pathogenic (Invitae). This suggests that this residue is clinically significant, and that variants that disrupt this residue are likely to be disease-causing. This variant has been observed in individual(s) with CDKL5-related conditions (Invitae). In at least one individual the variant was observed to be de novo. This variant is not present in population databases (ExAC no frequency). This variant, c.844_856delinsA, is a complex sequence change that results in the deletion of 5 and insertion of 1 amino acid(s) in the CDKL5 protein (p.Pro282_Tyr286delinsAsn).